The following is an entry in ClinVar:

ClinVar aggregate classification (germline): Uncertain significance. Review status: criteria provided, multiple submitters, no conflicts (2 of 4 stars). 3 submissions from 3 submitters: Uncertain significance (2). 1 of the submissions does not count toward it. Last evaluated 2025-01-06.

Conditions:
Inborn genetic diseases. Identifiers: MedGen C0950123, MeSH D030342.
Dyskeratosis congenita. Identifiers: Orphanet 1775, MedGen C0265965, MONDO:0015780.
Dyskeratosis congenita, autosomal recessive 5 (DKCB5). Identifiers: MedGen C3554656, MONDO:0014076, OMIM 615190.
Pulmonary fibrosis and/or bone marrow failure, Telomere-related, 3. Also called: PULMONARY FIBROSIS AND/OR BONE MARROW FAILURE SYNDROME, TELOMERE-RELATED, 3. Identifiers: Orphanet 2032, MedGen C4225346, MONDO:0014613, OMIM 616373.

Allele frequency attached by ClinVar (database versions not stated): ExAC 0.00001; TOPMed 0.00001.
gnomAD v4.1: 10 of 1,613,468 alleles (0.00062%); highest among the groups gnomAD compares: Non-Finnish European, 0.00076%; no homozygotes.

Submissions (3):

Ambry Genetics
Classification: Uncertain significance for Inborn genetic diseases. Last evaluated: 2025-01-06. Review status: criteria provided, single submitter. Criteria: Ambry Variant Classification Scheme 2023. Collection method: clinical testing. Allele origin: germline.
Comment: The p.P295R variant (also known as c.884C>G), located in coding exon 9 of the RTEL1 gene, results from a C to G substitution at nucleotide position 884. The proline at codon 295 is replaced by arginine, an amino acid with dissimilar properties. This amino acid position is conserved. In addition, this alteration is predicted to be tolerated by in silico analysis. Based on the available evidence, the clinical significance of this variant remains unclear.

Labcorp Genetics (formerly Invitae), Labcorp
Classification: Uncertain significance for Dyskeratosis congenita, autosomal recessive 5; Pulmonary fibrosis and/or bone marrow failure, Telomere-related, 3. Last evaluated: 2024-02-13. Review status: criteria provided, single submitter. Criteria: Invitae Variant Classification Sherloc (09022015). Collection method: clinical testing. Allele origin: germline.
Comment: This sequence change replaces proline, which is neutral and non-polar, with arginine, which is basic and polar, at codon 295 of the RTEL1 protein (p.Pro295Arg). This variant is not present in population databases (gnomAD no frequency). This variant has not been reported in the literature in individuals affected with RTEL1-related conditions. ClinVar contains an entry for this variant (Variation ID: 953631). An algorithm developed to predict the effect of missense changes on protein structure and function (PolyPhen-2) suggests that this variant is likely to be tolerated. In summary, the available evidence is currently insufficient to determine the role of this variant in disease. Therefore, it has been classified as a Variant of Uncertain Significance.

Natera, Inc.
Classification: Uncertain significance for Dyskeratosis congenita. Last evaluated: 2021-01-29. Review status: no assertion criteria provided. Collection method: clinical testing. Allele origin: germline. Not counted in ClinVar's aggregate classification.

NM_001283009.2(RTEL1):c.884C>G (p.Pro295Arg)

Genes: RTEL1 (regulator of telomere elongation helicase 1; plus strand), RTEL1-TNFRSF6B (RTEL1-TNFRSF6B readthrough (NMD candidate); plus strand). Cytogenetic location: 20q13.33.
Variant type: single nucleotide variant.
Coding change: c.884C>G on transcript NM_001283009.2 (MANE Select); coding-DNA position 884, C replaced by G.
Protein change: p.Pro295Arg; replaces proline 295 with arginine.
Molecular consequence: missense variant. On other transcripts: non-coding transcript variant (1).
Genome position (GRCh38, 1-based): chr20:63,674,058, C>G. VCF-style: chr20-63674058-C-G. GRCh37 (hg19) VCF-style: chr20-62305411-C-G.
Other names: c.215C>G, p.Pro72Arg (NM_001283010.1); c.884C>G, p.Pro295Arg (NM_016434.4); c.956C>G, p.Pro319Arg (NM_032957.5); short protein forms P295R, P72R, P319R.
Identifiers: ClinVar variation 953631 (VCV000953631.9), dbSNP rs781117322, ClinGen allele CA9964473.